The following is an entry in ClinVar:

ClinVar aggregate classification (germline): Likely benign (1 of 4 stars; one submission).

gnomAD v4.1: 209 of 1,359,056 alleles (0.015%); highest among the groups gnomAD compares: Non-Finnish European, 0.019%; no homozygotes.

Submission:

CeGaT Center for Human Genetics Tuebingen
Classification: Likely benign. Last evaluated: 2025-08-01. Review status: criteria provided, single submitter. Criteria: CeGaT Center For Human Genetics Tuebingen Variant Classification Criteria Version 2. Collection method: clinical testing. Allele origin: germline. Affected: yes. Observed: 1 variant allele.
Comment: GNAL: BP4, BP7

NM_182978.4(GNAL):c.60C>T (p.Cys20=)

Gene: GNAL (G protein subunit alpha L; plus strand). Cytogenetic location: 18p11.21.
Variant type: single nucleotide variant.
Coding change: c.60C>T on transcript NM_182978.4 (MANE Select); coding-DNA position 60, C replaced by T.
Protein change: p.Cys20=; no amino-acid change (cysteine 20 retained).
Molecular consequence: synonymous variant.
Genome position (GRCh38, 1-based): chr18:11,689,623, C>T. VCF-style: chr18-11689623-C-T. GRCh37 (hg19) VCF-style: chr18-11689622-C-T.
Identifiers: ClinVar variation 4084556 (VCV004084556.8).